The following is an entry in ClinVar:

ClinVar aggregate classification (germline): Uncertain significance (1 of 4 stars; one submission).

Allele frequency attached by ClinVar (database versions not stated): TOPMed 0.00001.
gnomAD v4.1: 5 of 1,614,038 alleles (0.00031%); highest among the groups gnomAD compares: African/African-American, 0.0013%; no homozygotes.

Submission:

Labcorp Genetics (formerly Invitae), Labcorp
Classification: Uncertain significance. Last evaluated: 2022-07-24. Review status: criteria provided, single submitter. Criteria: Invitae Variant Classification Sherloc (09022015). Collection method: clinical testing. Allele origin: germline.
Comment: In summary, the available evidence is currently insufficient to determine the role of this variant in disease. Therefore, it has been classified as a Variant of Uncertain Significance. Algorithms developed to predict the effect of missense changes on protein structure and function are either unavailable or do not agree on the potential impact of this missense change (SIFT: "Deleterious"; PolyPhen-2: "Probably Damaging"; Align-GVGD: "Class C15"). This variant has not been reported in the literature in individuals affected with FAT2-related conditions. This variant is not present in population databases (gnomAD no frequency). This sequence change replaces aspartic acid, which is acidic and polar, with asparagine, which is neutral and polar, at codon 1476 of the FAT2 protein (p.Asp1476Asn).

NM_001447.3(FAT2):c.4426G>A (p.Asp1476Asn)

Genes: FAT2 (FAT atypical cadherin 2; minus strand), SLC36A1 (solute carrier family 36 member 1; plus strand). Cytogenetic location: 5q33.1.
Variant type: single nucleotide variant.
Coding change: c.4426G>A on transcript NM_001447.3 (MANE Select); coding-DNA position 4426, G replaced by A.
Protein change: p.Asp1476Asn; replaces aspartic acid 1476 with asparagine.
Molecular consequence: missense variant.
Genome position (GRCh38, 1-based): chr5:151,550,742, C>T on the plus strand (G>A on the coding strand, the complement: FAT2 is on the minus strand). VCF-style: chr5-151550742-C-T. GRCh37 (hg19) VCF-style: chr5-150930303-C-T.
Other names: short protein forms D1476N.
Identifiers: ClinVar variation 2109382 (VCV002109382.4), dbSNP rs745647805, ClinGen allele CA361846190.